The following is an entry in ClinVar:

ClinVar aggregate classification (germline): Conflicting classifications of pathogenicity. Review status: criteria provided, conflicting classifications (1 of 4 stars). 4 submissions from 4 submitters: Uncertain significance (3); Likely benign (1). Last evaluated 2025-11-22.

Conditions:
Hereditary cancer-predisposing syndrome. Also called: Hereditary neoplastic syndrome; Neoplastic Syndromes, Hereditary; Tumor predisposition; Hereditary Cancer Syndrome. Identifiers: Orphanet 140162, MedGen C0027672, MeSH D009386, MONDO:0015356.
Colorectal cancer. Also called: Colorectal cancer, somatic; Malignant Colorectal Neoplasm. Identifiers: MedGen C0346629, MONDO:0005575, OMIM 114500.
Oligodontia-cancer predisposition syndrome. Also called: TOOTH AGENESIS-COLORECTAL CANCER SYNDROME. Identifiers: Orphanet 300576, MedGen C1837750, MONDO:0012075, OMIM 608615. Disease mechanism: loss of function.

Submissions (4):

Labcorp Genetics (formerly Invitae), Labcorp
Classification: Uncertain significance for Oligodontia-cancer predisposition syndrome. Last evaluated: 2025-11-22. Review status: criteria provided, single submitter. Criteria: Invitae Variant Classification Sherloc (09022015). Collection method: clinical testing. Allele origin: germline.
Comment: This variant, c.112_120del, results in the deletion of 3 amino acid(s) of the AXIN2 protein (p.Pro38_Val40del), but otherwise preserves the integrity of the reading frame. This variant is present in population databases (rs775217472, gnomAD 0.02%). This variant has not been reported in the literature in individuals affected with AXIN2-related conditions. ClinVar contains an entry for this variant (Variation ID: 836288). Experimental studies and prediction algorithms are not available or were not evaluated, and the functional significance of this variant is currently unknown. In summary, the available evidence is currently insufficient to determine the role of this variant in disease. Therefore, it has been classified as a Variant of Uncertain Significance.

Quest Diagnostics Nichols Institute San Juan Capistrano
Classification: Uncertain significance. Last evaluated: 2024-10-11. Review status: criteria provided, single submitter. Criteria: Quest Diagnostics criteria. Collection method: clinical testing. Allele origin: unknown.
Comment: The AXIN2 c.112_120del (p.Pro38_Val40del) variant has not been reported in individuals with AXIN2-related conditions in the published literature. The frequency of this variant in the general population, 0.00017 (6/34504 chromosomes in Admixed American subpopulation (Genome Aggregation Database)), is higher than would generally be expected for pathogenic variants in this gene. Based on the available information, we are unable to determine the clinical significance of this variant.

Ambry Genetics
Classification: Likely benign for Hereditary cancer-predisposing syndrome. Last evaluated: 2024-04-10. Review status: criteria provided, single submitter. Criteria: Ambry Variant Classification Scheme 2023. Collection method: clinical testing. Allele origin: germline.

Baylor Genetics
Classification: Uncertain significance for Colorectal cancer. Last evaluated: 2023-10-05. Review status: criteria provided, single submitter. Criteria: ACMG Guidelines, 2015. Collection method: clinical testing. Allele origin: unknown.

NM_004655.4(AXIN2):c.112_120del (p.Pro38_Val40del)

Gene: AXIN2 (axin 2; minus strand). Cytogenetic location: 17q24.1.
Variant type: Deletion.
Coding change: c.112_120del on transcript NM_004655.4 (MANE Select); coding-DNA positions 112 to 120, 9 bases deleted (CCAGGGGTG; older notation c.112_120delCCAGGGGTG).
Protein change: p.Pro38_Val40del.
Molecular consequence: inframe deletion.
Genome position (GRCh38, 1-based): chr17:65,558,501-65,558,509, CACCCCTGG deleted on the plus strand (CCAGGGGTG on the coding strand, the reverse complement: AXIN2 is on the minus strand); deleting any 9 consecutive bases within chr17:65,558,501-65,558,510 gives the same sequence; the c. name uses the placement nearest the transcript's 3' end. VCF-style (leftmost placement, unchanged base first): chr17-65558500-CCACCCCTGG-C. GRCh37 (hg19) VCF-style: chr17-63554618-CCACCCCTGG-C.
Other names: c.112_120delCCAGGGGTG (NM_004655.3); c.112_120del, p.Pro38_Val40del (NM_001363813.1).
Identifiers: ClinVar variation 836288 (VCV000836288.14), dbSNP rs775217472, ClinGen allele CA8719099.
Genomic context (GRCh38, chr17:65,558,500, plus strand): 5'-CATCTTCGTTCCGCCTGGTGTTGGAAGAGACAGGCATGGGTTTGGTGACCTGGCCCTTGC[CCACCCCTGG>C]CTGACACGGTGGGGTCTCCCCTTCTTCCCCTGGCACTGGGGGCCGCGGGGCATCCTCACG-3'